The following is an entry in ClinVar:

NM_001378778.1(MPDZ):c.4249A>G (p.Ile1417Val)

Gene: MPDZ (multiple PDZ domain crumbs cell polarity complex component; minus strand). Cytogenetic location: 9p23.
Variant type: single nucleotide variant.
Coding change: c.4249A>G on transcript NM_001378778.1 (MANE Select); coding-DNA position 4249, A replaced by G.
Protein change: p.Ile1417Val; replaces isoleucine 1417 with valine.
Molecular consequence: missense variant.
Genome position (GRCh38, 1-based): chr9:13,136,755, T>C on the plus strand (A>G on the coding strand, the complement: MPDZ is on the minus strand). VCF-style: chr9-13136755-T-C. GRCh37 (hg19) VCF-style: chr9-13136754-T-C.
Other names: c.4039A>G, p.Ile1347Val (NM_001375421.1, NM_001375422.1, NM_001375423.1 and 4 more transcripts); c.3841A>G, p.Ile1281Val (NM_001375427.1); c.4249A>G, p.Ile1417Val (NM_003829.5, NM_001330637.2, NM_001375413.1); c.4150A>G, p.Ile1384Val (NM_001261406.2, NM_001261407.2, NM_001375416.1 and 3 more transcripts); short protein forms I1347V, I1384V, I1281V, I1417V.
Identifiers: ClinVar variation 1443571 (VCV001443571.6), dbSNP rs1239492493, ClinGen allele CA372948913.
Genomic context (GRCh38, chr9:13,136,755, plus strand): 5'-CAAAAGAAAATGATCACCTGATAAAAATTATTTTCACTTTAGAAGGGGCACATTTAATGA[T>C]TGATGAGGCATTCTGATGACTTCTTCCATATAAAATCTGACCATTGATCTGTGAGAAATA-3'
Protein context (NP_001365707.1, residues 1407-1427): YGRSHQNASS[Ile1417Val]IKCAPSKVKI

ClinVar aggregate classification (germline): Uncertain significance (1 of 4 stars; one submission).

Allele frequency attached by ClinVar (database versions not stated): gnomAD exomes below 0.00001; gnomAD 0.00001; TOPMed 0.00001.
gnomAD v4.1: 7 of 1,603,714 alleles (0.00044%); highest among the groups gnomAD compares: African/African-American, 0.0053%; no homozygotes.

Submission:

Labcorp Genetics (formerly Invitae), Labcorp
Classification: Uncertain significance. Last evaluated: 2024-01-19. Review status: criteria provided, single submitter. Criteria: Invitae Variant Classification Sherloc (09022015). Collection method: clinical testing. Allele origin: germline.
Comment: This sequence change replaces isoleucine, which is neutral and non-polar, with valine, which is neutral and non-polar, at codon 1417 of the MPDZ protein (p.Ile1417Val). This variant is not present in population databases (gnomAD no frequency). This variant has not been reported in the literature in individuals affected with MPDZ-related conditions. ClinVar contains an entry for this variant (Variation ID: 1443571). An algorithm developed to predict the effect of missense changes on protein structure and function (PolyPhen-2) suggests that this variant is likely to be disruptive. In summary, the available evidence is currently insufficient to determine the role of this variant in disease. Therefore, it has been classified as a Variant of Uncertain Significance.